The following is an entry in ClinVar:

ClinVar aggregate classification (germline): Pathogenic/Likely pathogenic. Review status: criteria provided, multiple submitters, no conflicts (2 of 4 stars). 3 submissions from 3 submitters: Pathogenic (2); Likely pathogenic (1). Last evaluated 2024-05-06.

Conditions:
Hereditary spastic paraplegia 31. Also called: SPASTIC PARAPLEGIA 31, AUTOSOMAL DOMINANT. Identifiers: Orphanet 101011, MedGen C1853247, MONDO:0012453, OMIM 610250.
Inborn genetic diseases. Identifiers: MedGen C0950123, MeSH D030342.

Allele frequency attached by ClinVar (database versions not stated): gnomAD exomes below 0.00001.

Submissions (3):

Ambry Genetics
Classification: Pathogenic for Inborn genetic diseases. Last evaluated: 2024-05-06. Review status: criteria provided, single submitter. Criteria: Ambry Variant Classification Scheme 2023. Collection method: clinical testing. Allele origin: germline.
Comment: The c.2T>C (p.M1?) alteration is located in coding exon 1 of the REEP1 gene and results from a T to C substitution at nucleotide position 2. This alters the methionine residue at the initiation codon (ATG). Sequence variations that modify the initiation codon are expected to result in either loss of translation initiation, N-terminal truncation, or cause a shift in the mRNA reading frame. This variant was not reported in population-based cohorts in the Genome Aggregation Database (gnomAD). Another initiation codon alteration, c.2T>G (p.M1?), has also been reported in an individual with features consistent with REEP1-related spastic paraplegia (Cui, 2020). This amino acid position is highly conserved in available vertebrate species. Based on the available evidence, this alteration is classified as pathogenic.

Labcorp Genetics (formerly Invitae), Labcorp
Classification: Pathogenic for Hereditary spastic paraplegia 31. Last evaluated: 2023-08-24. Review status: criteria provided, single submitter. Criteria: Invitae Variant Classification Sherloc (09022015). Collection method: clinical testing. Allele origin: germline.
Comment: This variant disrupts a region of the REEP1 protein in which other variant(s) (p.Ala20Glu) have been determined to be pathogenic (PMID: 16826527, 18321925, 20718791, 22703882, 23812641, 24478229, 26201691). This suggests that this is a clinically significant region of the protein, and that variants that disrupt it are likely to be disease-causing. For these reasons, this variant has been classified as Pathogenic. ClinVar contains an entry for this variant (Variation ID: 941193). This sequence change affects the initiator methionine of the REEP1 mRNA. The next in-frame methionine is located at codon 39. This variant is not present in population databases (gnomAD no frequency). Disruption of the initiator codon has been observed in individuals with hereditary spastic paraplegia (PMID: 23108492, 32501971).

Institute of Medical Genetics and Applied Genomics, University Hospital Tübingen
Classification: Likely pathogenic. Last evaluated: 2020-10-23. Review status: criteria provided, single submitter. Criteria: ACMG Guidelines, 2015. Collection method: clinical testing. Allele origin: germline. Inheritance: Autosomal dominant inheritance. Affected: yes.

Literature cited by the submitters: PubMed 32501971 (cited by Ambry Genetics and Labcorp Genetics (formerly Invitae), Labcorp); PubMed 16826527 (cited by Labcorp Genetics (formerly Invitae), Labcorp); PubMed 18321925 (cited by Labcorp Genetics (formerly Invitae), Labcorp); PubMed 20718791 (cited by Labcorp Genetics (formerly Invitae), Labcorp); PubMed 22703882 (cited by Labcorp Genetics (formerly Invitae), Labcorp); PubMed 23812641 (cited by Labcorp Genetics (formerly Invitae), Labcorp); PubMed 24478229 (cited by Labcorp Genetics (formerly Invitae), Labcorp); PubMed 26201691 (cited by Labcorp Genetics (formerly Invitae), Labcorp); PubMed 23108492 (cited by Labcorp Genetics (formerly Invitae), Labcorp).

NM_001371279.1(REEP1):c.2T>C (p.Met1Thr)

Gene: REEP1 (receptor accessory protein 1; minus strand). Cytogenetic location: 2p11.2.
Variant type: single nucleotide variant.
Coding change: c.2T>C on transcript NM_001371279.1 (MANE Select); coding-DNA position 2, T replaced by C.
Protein change: p.Met1Thr; changes the start codon (methionine 1).
Molecular consequence: missense variant, initiator codon variant. On other transcripts: 5 prime UTR variant (1), intron variant (1).
Genome position (GRCh38, 1-based): chr2:86,337,509, A>G on the plus strand (T>C on the coding strand, the complement: REEP1 is on the minus strand). VCF-style: chr2-86337509-A-G. GRCh37 (hg19) VCF-style: chr2-86564632-A-G.
Other names: c.-7T>C (NM_001164731.2); c.2T>C, p.Met1Thr (NM_001164732.2, NM_001371280.1, NM_022912.3); c.53+515T>C (NM_001164730.2); short protein forms M1T.
Identifiers: ClinVar variation 941193 (VCV000941193.13), dbSNP rs1681107508, ClinGen allele CA347725576.